The following is an entry in ClinVar:

NM_182914.3(SYNE2):c.12620C>T (p.Pro4207Leu)

Gene: SYNE2 (spectrin repeat containing nuclear envelope protein 2; plus strand). Cytogenetic location: 14q23.2.
Variant type: single nucleotide variant.
Coding change: c.12620C>T on transcript NM_182914.3 (MANE Select); coding-DNA position 12620, C replaced by T.
Protein change: p.Pro4207Leu; replaces proline 4207 with leucine.
Molecular consequence: missense variant.
Genome position (GRCh38, 1-based): chr14:64,113,351, C>T. VCF-style: chr14-64113351-C-T. GRCh37 (hg19) VCF-style: chr14-64580069-C-T.
Other names: c.12620C>T, p.Pro4207Leu (NM_015180.6); short protein forms P4207L.
Identifiers: ClinVar variation 2961489 (VCV002961489.3), dbSNP rs2097827716, ClinGen allele CA389957508.

ClinVar aggregate classification (germline): Uncertain significance (1 of 4 stars; one submission).

Conditions:
Emery-Dreifuss muscular dystrophy 5, autosomal dominant (EDMD5). Also called: EMERY-DREIFUSS MUSCULAR DYSTROPHY 5. Identifiers: Orphanet 261, MedGen C2751805, MONDO:0013072, OMIM 612999.

gnomAD v4.1: 1 of 1,613,858 alleles (0.000062%); highest among the groups gnomAD compares: African/African-American, 0.0013%; no homozygotes.

Submission:

Labcorp Genetics (formerly Invitae), Labcorp
Classification: Uncertain significance for Emery-Dreifuss muscular dystrophy 5, autosomal dominant. Last evaluated: 2023-09-05. Review status: criteria provided, single submitter. Criteria: Invitae Variant Classification Sherloc (09022015). Collection method: clinical testing. Allele origin: germline.
Comment: In summary, the available evidence is currently insufficient to determine the role of this variant in disease. Therefore, it has been classified as a Variant of Uncertain Significance. Algorithms developed to predict the effect of missense changes on protein structure and function output the following: SIFT: "Not Available"; PolyPhen-2: "Benign"; Align-GVGD: "Not Available". The leucine amino acid residue is found in multiple mammalian species, which suggests that this missense change does not adversely affect protein function. This variant has not been reported in the literature in individuals affected with SYNE2-related conditions. This variant is not present in population databases (gnomAD no frequency). This sequence change replaces proline, which is neutral and non-polar, with leucine, which is neutral and non-polar, at codon 4207 of the SYNE2 protein (p.Pro4207Leu).